The following is an entry in ClinVar:

ClinVar aggregate classification (germline): Conflicting classifications of pathogenicity. Review status: criteria provided, conflicting classifications (1 of 4 stars). 2 submissions from 2 submitters: Uncertain significance (1); Likely benign (1). Last evaluated 2026-02-03.

Allele frequency attached by ClinVar (database versions not stated): gnomAD exomes below 0.00001.
gnomAD v4.1: 1 of 1,479,190 alleles (0.000068%); highest among the groups gnomAD compares: Non-Finnish European, 0.00009%; no homozygotes.

Submissions (2):

Women's Health and Genetics/Laboratory Corporation of America, LabCorp
Classification: Likely benign. Last evaluated: 2026-02-03. Review status: criteria provided, single submitter. Criteria: LabCorp Variant Classification Summary - May 2015. Collection method: clinical testing. Allele origin: germline.

Labcorp Genetics (formerly Invitae), Labcorp
Classification: Uncertain significance. Last evaluated: 2024-08-27. Review status: criteria provided, single submitter. Criteria: Invitae Variant Classification Sherloc (09022015). Collection method: clinical testing. Allele origin: germline.
Comment: This sequence change affects codon 465 of the ACAN mRNA. It is a 'silent' change, meaning that it does not change the encoded amino acid sequence of the ACAN protein. This variant is not present in population databases (gnomAD no frequency). This variant has not been reported in the literature in individuals affected with ACAN-related conditions. Algorithms developed to predict the effect of sequence changes on RNA splicing suggest that this variant may disrupt the consensus splice site. In summary, the available evidence is currently insufficient to determine the role of this variant in disease. Therefore, it has been classified as a Variant of Uncertain Significance.

NM_001369268.1(ACAN):c.1395G>A (p.Val465=)

Gene: ACAN (aggrecan; plus strand). Cytogenetic location: 15q26.1.
Variant type: single nucleotide variant.
Coding change: c.1395G>A on transcript NM_001369268.1 (MANE Select); coding-DNA position 1395, G replaced by A.
Protein change: p.Val465=; no amino-acid change (valine 465 retained).
Molecular consequence: synonymous variant.
Genome position (GRCh38, 1-based): chr15:88,845,848, G>A. VCF-style: chr15-88845848-G-A. GRCh37 (hg19) VCF-style: chr15-89389079-G-A.
Other names: c.1395G>A, p.Val465= (NM_001135.4, NM_001411096.1, NM_001411097.1 and 1 more transcripts).
Identifiers: ClinVar variation 2850941 (VCV002850941.4), dbSNP rs2505263992, ClinGen allele CA492283999.
Genomic context (GRCh38, chr15:88,845,848, plus strand): 5'-TCCCACACCTGGCCTGGGCCCTGCCACGGCATTCACCAGTGAGGACCTCGTCGTGCAGGT[G>A]ACCGCTGTCCCTGGGCAGCCGCATTTGCCAGGGGGTAAGTAGCTGCCCGTGGGTGCATCC-3'
Protein context (NP_001356197.1, residues 455-475): AFTSEDLVVQ[Val465=]TAVPGQPHLP